The following is an entry in ClinVar:

ClinVar aggregate classification (germline): Pathogenic. Review status: criteria provided, single submitter (1 of 4 stars). 2 submissions from 2 submitters: Pathogenic (1). 1 of the submissions does not count toward it. Last evaluated 2021-08-23.

Conditions:
Cockayne syndrome type 2 (CSB). Also called: COCKAYNE SYNDROME B; Cockayne Syndrome, Type II. Identifiers: Orphanet 191, Orphanet 90322, MedGen C0751038, MONDO:0019570, OMIM 133540.

Submissions (2):

Labcorp Genetics (formerly Invitae), Labcorp
Classification: Pathogenic. Last evaluated: 2021-08-23. Review status: criteria provided, single submitter. Criteria: Invitae Variant Classification Sherloc (09022015). Collection method: clinical testing. Allele origin: germline.
Comment: For these reasons, this variant has been classified as Pathogenic. ClinVar contains an entry for this variant (Variation ID: 1700). This premature translational stop signal has been observed in individual(s) with Cockayne syndrome (PMID: 9443879, 29572252). This variant is not present in population databases (ExAC no frequency). This sequence change creates a premature translational stop signal (p.Trp517*) in the ERCC6 gene. It is expected to result in an absent or disrupted protein product. Loss-of-function variants in ERCC6 are known to be pathogenic (PMID: 18628313, 29572252).

OMIM
Classification: Pathogenic for COCKAYNE SYNDROME B. Last evaluated: 1998-01-01. Review status: no assertion criteria provided. Collection method: literature only. Allele origin: germline. Not counted in ClinVar's aggregate classification.

Literature cited by the submitters: PubMed 9443879 (cited by Labcorp Genetics (formerly Invitae), Labcorp and OMIM); PubMed 29572252 (cited by Labcorp Genetics (formerly Invitae), Labcorp); PubMed 18628313 (cited by Labcorp Genetics (formerly Invitae), Labcorp).

NM_000124.4(ERCC6):c.1550G>A (p.Trp517Ter)

Gene: ERCC6 (ERCC excision repair 6, chromatin remodeling factor; minus strand). Cytogenetic location: 10q11.23.
Variant type: single nucleotide variant.
Coding change: c.1550G>A on transcript NM_000124.4 (MANE Select); coding-DNA position 1550, G replaced by A.
Protein change: p.Trp517Ter; replaces tryptophan 517 with a stop codon.
Molecular consequence: nonsense.
Genome position (GRCh38, 1-based): chr10:49,500,673, C>T on the plus strand (G>A on the coding strand, the complement: ERCC6 is on the minus strand). VCF-style: chr10-49500673-C-T. GRCh37 (hg19) VCF-style: chr10-50708719-C-T.
Other names: c.1550G>A, p.Trp517Ter (NM_001346440.2); short protein forms W517*.
Identifiers: ClinVar variation 1700 (VCV000001700.6), dbSNP rs121917900, ClinGen allele CA251917.
Genomic context (GRCh38, chr10:49,500,673, plus strand): 5'-CCCAATCCCATTTCATCTCCCAGAATTCCTCCTGCCTGCTGGCAGTGCAATTCCCACAGC[C>T]ACCTAACACCTGTCTGCTGGTACCTATGACAACAAACACCAACAAGAAAAGAGAAAATGG-3'